The following is an entry in ClinVar:

NM_001374736.1(DST):c.22141T>C (p.Leu7381=)

Gene: DST (dystonin; minus strand). Cytogenetic location: 6p12.1.
Variant type: single nucleotide variant.
Coding change: c.22141T>C on transcript NM_001374736.1 (MANE Select); coding-DNA position 22141, T replaced by C.
Protein change: p.Leu7381=; no amino-acid change (leucine 7381 retained).
Molecular consequence: synonymous variant.
Genome position (GRCh38, 1-based): chr6:56,472,076, A>G on the plus strand (T>C on the coding strand, the complement: DST is on the minus strand). VCF-style: chr6-56472076-A-G. GRCh37 (hg19) VCF-style: chr6-56336874-A-G.
Other names: c.15784T>C, p.Leu5262= (NM_001144769.5); c.15370T>C, p.Leu5124= (NM_001144770.2); c.22141T>C, p.Leu7381= (NM_001374722.1); c.21181T>C, p.Leu7061= (NM_001374729.1); c.14923T>C, p.Leu4975= (NM_001374730.1); c.22168T>C, p.Leu7390= (NM_001374734.1); c.15250T>C, p.Leu5084= (NM_001386100.1, NM_183380.4); c.14272T>C, p.Leu4758= (NM_015548.5).
Identifiers: ClinVar variation 1937539 (VCV001937539.5), dbSNP rs2533472029, ClinGen allele CA450486860.

ClinVar aggregate classification (germline): Uncertain significance (1 of 4 stars; one submission).

Conditions:
Hereditary sensory and autonomic neuropathy type 6. Also called: HSAN VI; Neuropathy, hereditary sensory and autonomic, type VI. Identifiers: Orphanet 314381, MedGen C3539003, MONDO:0013839, OMIM 614653.
Epidermolysis bullosa simplex 3, localized or generalized intermediate, with BP230 deficiency (EBS3). Also called: Epidermolysis bullosa simplex, autosomal recessive 2; Epidermolysis bullosa simplex due to BP230 deficiency. Identifiers: Orphanet 412181, MedGen C3809470, MONDO:0014180, OMIM 615425.

Submission:

Labcorp Genetics (formerly Invitae), Labcorp
Classification: Uncertain significance for Epidermolysis bullosa simplex 3, localized or generalized intermediate, with BP230 deficiency; Hereditary sensory and autonomic neuropathy type 6. Last evaluated: 2022-05-30. Review status: criteria provided, single submitter. Criteria: Invitae Variant Classification Sherloc (09022015). Collection method: clinical testing. Allele origin: germline.
Comment: This sequence change affects codon 4758 of the DST mRNA. It is a 'silent' change, meaning that it does not change the encoded amino acid sequence of the DST protein. In summary, the available evidence is currently insufficient to determine the role of this variant in disease. Therefore, it has been classified as a Variant of Uncertain Significance. Experimental studies and prediction algorithms are not available or were not evaluated, and the effect of this variant on mRNA splicing is currently unknown. This variant has not been reported in the literature in individuals affected with DST-related conditions. This variant is not present in population databases (gnomAD no frequency). The DST gene has multiple clinically relevant transcripts. This variant occurs in alternate transcript NM_015548.4, and corresponds to NM_001723.5:c.*143441T>C in the primary transcript.